The following is an entry in ClinVar:

ClinVar aggregate classification (germline): Uncertain significance (1 of 4 stars; one submission).

Allele frequency attached by ClinVar (database versions not stated): TOPMed below 0.00001; gnomAD exomes 0.00001.
gnomAD v4.1: 3 of 1,614,080 alleles (0.00019%); highest among the groups gnomAD compares: South Asian, 0.0011%; no homozygotes.

Submission:

Labcorp Genetics (formerly Invitae), Labcorp
Classification: Uncertain significance. Last evaluated: 2025-06-23. Review status: criteria provided, single submitter. Criteria: Invitae Variant Classification Sherloc (09022015). Collection method: clinical testing. Allele origin: germline.
Comment: This sequence change replaces aspartic acid, which is acidic and polar, with asparagine, which is neutral and polar, at codon 379 of the LRP5 protein (p.Asp379Asn). This variant is not present in population databases (gnomAD no frequency). This missense change has been observed in individual(s) with clinical features of osteoporosis-pseudoglioma syndrome (PMID: 28145787). ClinVar contains an entry for this variant (Variation ID: 2137177). Invitae Evidence Modeling of protein sequence and biophysical properties (such as structural, functional, and spatial information, amino acid conservation, physicochemical variation, residue mobility, and thermodynamic stability) indicates that this missense variant is expected to disrupt LRP5 protein function with a positive predictive value of 80%. In summary, the available evidence is currently insufficient to determine the role of this variant in disease. Therefore, it has been classified as a Variant of Uncertain Significance.

Literature cited by the submitters: PubMed 28145787.

NM_002335.4(LRP5):c.1135G>A (p.Asp379Asn)

Gene: LRP5 (LDL receptor related protein 5; plus strand). Cytogenetic location: 11q13.2.
Variant type: single nucleotide variant.
Coding change: c.1135G>A on transcript NM_002335.4 (MANE Select); coding-DNA position 1135, G replaced by A.
Protein change: p.Asp379Asn; replaces aspartic acid 379 with asparagine.
Molecular consequence: missense variant. On other transcripts: 5 prime UTR variant (1).
Genome position (GRCh38, 1-based): chr11:68,386,435, G>A. VCF-style: chr11-68386435-G-A. GRCh37 (hg19) VCF-style: chr11-68153903-G-A.
Other names: c.-631G>A (NM_001291902.2); short protein forms D379N.
Identifiers: ClinVar variation 2137177 (VCV002137177.4), dbSNP rs1665093088, ClinGen allele CA381612302.